The following is an entry in ClinVar:

NM_007294.4(BRCA1):c.121del (p.His41fs)

Gene: BRCA1 (BRCA1 DNA repair associated; minus strand). Cytogenetic location: 17q21.31.
Variant type: Deletion.
Coding change: c.121del on transcript NM_007294.4 (MANE Select); coding-DNA position 121, one base deleted (C; older notation c.121delC).
Protein change: p.His41fs; shifts the reading frame from histidine 41.
Molecular consequence: frameshift variant. On other transcripts: non-coding transcript variant (1), intron variant (1).
Genome position (GRCh38, 1-based): chr17:43,115,739, G deleted on the plus strand (C on the coding strand, the reverse complement: BRCA1 is on the minus strand); the first of 2 consecutive G bases (chr17:43,115,739-43,115,740); deleting either gives the same sequence. VCF-style (leftmost placement, unchanged base first): chr17-43115738-TG-T. GRCh37 (hg19) VCF-style: chr17-41267755-TG-T.
Other names: c.121delC (NM_007294.3); c.120delC, p.His41Thrfs (NM_001407635.1, NM_001407636.1, NM_001407637.1 and 190 more transcripts); c.-138delC (NM_001407694.1, NM_001407696.1, NM_001407724.1 and 13 more transcripts); c.-142delC (NM_001407695.1, NM_001408465.1); c.-22delC (NM_001407697.1, NM_001407725.1, NM_001407728.1 and 47 more transcripts); c.-18delC (NM_001407841.1); c.-69delC (NM_001407853.1, NM_001407879.1, NM_001407882.1 and 52 more transcripts); c.-185delC (NM_001407889.1, NM_001407900.1, NM_001408492.1); and 4 more; short protein forms H41fs.
Identifiers: ClinVar variation 548235 (VCV000548235.2), dbSNP rs1555599226, ClinGen allele CA658823842.
Genomic context (GRCh38, chr17:43,115,738, plus strand): 5'-ACAAAAACAAAAGCTAATAATGGAGCCACATAACACATTCAAACTTACTTGCAAAATATG[TG>T]GTCACACTTTGTGGAGACAGGTTCCTTGATCAACTCCAGACTAGCAGGGTAGGGGGGGAG-3'

ClinVar aggregate classification (germline): Pathogenic (3 of 4 stars; one submission).

Conditions:
Breast-ovarian cancer, familial, susceptibility to, 1 (BROVCA1). Also called: BRCA1 Hereditary Breast and Ovarian Cancer; OVARIAN CANCER, SUSCEPTIBILITY TO. Identifiers: Orphanet 145, MedGen C2676676, MONDO:0011450, OMIM 604370. Disease mechanism: loss of function.

Submission:

Evidence-based Network for the Interpretation of Germline Mutant Alleles (ENIGMA)
Classification: Pathogenic for Breast-ovarian cancer, familial, susceptibility to, 1. Last evaluated: 2017-12-15. Review status: reviewed by expert panel. Criteria: ENIGMA BRCA1/2 Classification Criteria (2017-06-29). Collection method: curation. Allele origin: germline. Study: ENIGMA.
Comment: Variant allele predicted to encode a truncated non-functional protein.